The following is an entry in ClinVar:

ClinVar aggregate classification (germline): Uncertain significance. Review status: criteria provided, multiple submitters, no conflicts (2 of 4 stars). 3 submissions from 3 submitters: Uncertain significance (3). Last evaluated 2024-03-06.

Conditions:
Hereditary cancer-predisposing syndrome. Also called: Neoplastic Syndromes, Hereditary; Tumor predisposition; Hereditary Cancer Syndrome; Hereditary neoplastic syndrome. Identifiers: Orphanet 140162, MedGen C0027672, MeSH D009386, MONDO:0015356.
Familial cancer of breast. Also called: BREAST CANCER, FAMILIAL; Hereditary breast cancer; hereditary breast carcinoma. Identifiers: Orphanet 227535, MedGen C0346153, MONDO:0016419, OMIM 114480. Disease mechanism: loss of function.

Submissions (3):

Color Diagnostics, LLC DBA Color Health
Classification: Uncertain significance for Hereditary cancer-predisposing syndrome. Last evaluated: 2024-03-06. Review status: criteria provided, single submitter. Criteria: ACMG Guidelines, 2015. Collection method: clinical testing. Allele origin: germline.
Comment: This missense variant replaces threonine with asparagine at codon 799 of the PALB2 protein. Computational prediction suggests that this variant may not impact protein structure and function (internally defined REVEL score threshold <= 0.5, PMID: 27666373). To our knowledge, functional studies have not been reported for this variant. This variant has not been reported in individuals affected with hereditary cancer in the literature. This variant has not been identified in the general population by the Genome Aggregation Database (gnomAD). The available evidence is insufficient to determine the role of this variant in disease conclusively. Therefore, this variant is classified as a Variant of Uncertain Significance.

Labcorp Genetics (formerly Invitae), Labcorp
Classification: Uncertain significance for Familial cancer of breast. Last evaluated: 2024-02-18. Review status: criteria provided, single submitter. Criteria: Invitae Variant Classification Sherloc (09022015). Collection method: clinical testing. Allele origin: germline.
Comment: This sequence change replaces threonine, which is neutral and polar, with asparagine, which is neutral and polar, at codon 799 of the PALB2 protein (p.Thr799Asn). This variant is not present in population databases (gnomAD no frequency). This variant has not been reported in the literature in individuals affected with PALB2-related conditions. ClinVar contains an entry for this variant (Variation ID: 821209). Advanced modeling of protein sequence and biophysical properties (such as structural, functional, and spatial information, amino acid conservation, physicochemical variation, residue mobility, and thermodynamic stability) performed at Invitae indicates that this missense variant is not expected to disrupt PALB2 protein function with a negative predictive value of 80%. In summary, the available evidence is currently insufficient to determine the role of this variant in disease. Therefore, it has been classified as a Variant of Uncertain Significance.

Ambry Genetics
Classification: Uncertain significance for Hereditary cancer-predisposing syndrome. Last evaluated: 2019-05-08. Review status: criteria provided, single submitter. Criteria: Ambry Variant Classification Scheme 2023. Collection method: clinical testing. Allele origin: germline.
Comment: The p.T799N variant (also known as c.2396C>A), located in coding exon 5 of the PALB2 gene, results from a C to A substitution at nucleotide position 2396. The threonine at codon 799 is replaced by asparagine, an amino acid with similar properties. This amino acid position is poorly conserved in available vertebrate species. In addition, this alteration is predicted to be tolerated by in silico analysis. Since supporting evidence is limited at this time, the clinical significance of this alteration remains unclear.

NM_024675.4(PALB2):c.2396C>A (p.Thr799Asn)

Gene: PALB2 (partner and localizer of BRCA2; minus strand). Cytogenetic location: 16p12.2.
Variant type: single nucleotide variant.
Coding change: c.2396C>A on transcript NM_024675.4 (MANE Select); coding-DNA position 2396, C replaced by A.
Protein change: p.Thr799Asn; replaces threonine 799 with asparagine.
Molecular consequence: missense variant.
Genome position (GRCh38, 1-based): chr16:23,629,758, G>T on the plus strand (C>A on the coding strand, the complement: PALB2 is on the minus strand). VCF-style: chr16-23629758-G-T. GRCh37 (hg19) VCF-style: chr16-23641079-G-T.
Other names: short protein forms T799N.
Identifiers: ClinVar variation 821209 (VCV000821209.17), dbSNP rs1597089093, ClinGen allele CA395124483.